The following is an entry in ClinVar:

ClinVar aggregate classification (germline): Uncertain significance (1 of 4 stars; one submission).

Conditions:
Hereditary cancer-predisposing syndrome. Also called: Hereditary neoplastic syndrome; Neoplastic Syndromes, Hereditary; Tumor predisposition; Hereditary Cancer Syndrome. Identifiers: Orphanet 140162, MedGen C0027672, MeSH D009386, MONDO:0015356.

gnomAD v4.1: 1 of 1,614,142 alleles (0.000062%); highest among the groups gnomAD compares: Admixed American, 0.0017%; no homozygotes.

Submission:

Ambry Genetics
Classification: Uncertain significance for Hereditary cancer-predisposing syndrome. Last evaluated: 2025-01-05. Review status: criteria provided, single submitter. Criteria: Ambry Variant Classification Scheme 2023. Collection method: clinical testing. Allele origin: germline.
Comment: The p.V1147M variant (also known as c.3439G>A), located in coding exon 21 of the ALK gene, results from a G to A substitution at nucleotide position 3439. The valine at codon 1147 is replaced by methionine, an amino acid with highly similar properties. This amino acid position is conserved. In addition, this alteration is predicted to be deleterious by in silico analysis. Based on the available evidence, the clinical significance of this variant remains unclear.

NM_004304.5(ALK):c.3439G>A (p.Val1147Met)

Gene: ALK (ALK receptor tyrosine kinase; minus strand). Cytogenetic location: 2p23.2.
Variant type: single nucleotide variant.
Coding change: c.3439G>A on transcript NM_004304.5 (MANE Select); coding-DNA position 3439, G replaced by A.
Protein change: p.Val1147Met; replaces valine 1147 with methionine.
Molecular consequence: missense variant.
Genome position (GRCh38, 1-based): chr2:29,222,528, C>T on the plus strand (G>A on the coding strand, the complement: ALK is on the minus strand). VCF-style: chr2-29222528-C-T. GRCh37 (hg19) VCF-style: chr2-29445394-C-T.
Other names: c.235G>A, p.Val79Met (NM_001353765.2); short protein forms V1147M, V79M.
Identifiers: ClinVar variation 3854328 (VCV003854328.1).